The following is an entry in ClinVar:

ClinVar aggregate classification (germline): Uncertain significance (1 of 4 stars; one submission).

Conditions:
Malignant hyperthermia, susceptibility to, 1 (MHS1). Also called: RYR1-Related Malignant Hyperthermia Susceptibility; Malignant hyperthermia suceptibility 1; Anesthesia related hyperthermia; Malignant hyperpyrexia; Fulminating hyperpyrexia; Pharmacogenic myopathy. Identifiers: Orphanet 423, MedGen C2930980, MONDO:0007783, OMIM 145600.

Submission:

Color Diagnostics, LLC DBA Color Health
Classification: Uncertain significance for Malignant hyperthermia, susceptibility to, 1. Last evaluated: 2025-08-24. Review status: criteria provided, single submitter. Criteria: ACMG Guidelines, 2015. Collection method: clinical testing. Allele origin: germline.
Comment: This missense variant replaces asparagine with histidine at codon 3214 of the RYR1 protein. Computational prediction suggests that this variant may have deleterious impact on protein structure and function. To our knowledge, functional studies have not been reported for this variant. This variant has not been reported in individuals affected with RYR1-related disorders in the literature. This variant has not been identified in the general population by the Genome Aggregation Database (gnomAD). The available evidence is insufficient to determine the role of this variant in disease conclusively. Therefore, this variant is classified as a Variant of Uncertain Significance.

NM_000540.3(RYR1):c.9640A>C (p.Asn3214His)

Gene: RYR1 (ryanodine receptor 1; plus strand). Cytogenetic location: 19q13.2.
Variant type: single nucleotide variant.
Coding change: c.9640A>C on transcript NM_000540.3 (MANE Select); coding-DNA position 9640, A replaced by C.
Protein change: p.Asn3214His; replaces asparagine 3214 with histidine.
Molecular consequence: missense variant.
Genome position (GRCh38, 1-based): chr19:38,516,172, A>C. VCF-style: chr19-38516172-A-C. GRCh37 (hg19) VCF-style: chr19-39006812-A-C.
Other names: c.9640A>C, p.Asn3214His (NM_001042723.2); short protein forms N3214H.
Identifiers: ClinVar variation 4757778 (VCV004757778.1).
Genomic context (GRCh38, chr19:38,516,172, plus strand): 5'-CTGGCCCGTCTGGCAGCAGCCATGCCGGTGGCGTTCCTGGAGCCGCAGCTGAACGAGTAC[A>C]ACGCCTGCTCCGTGTACACCACCAAGTCTCCGCGGGAGCGGGCCAGTAAGCTGTGTGGGG-3'
Protein context (NP_000531.2, residues 3204-3224): AFLEPQLNEY[Asn3214His]ACSVYTTKSP